The following is an entry in ClinVar:

NM_000455.5(STK11):c.796A>C (p.Asn266His)

Gene: STK11 (serine/threonine kinase 11; plus strand). Cytogenetic location: 19p13.3.
Variant type: single nucleotide variant.
Coding change: c.796A>C on transcript NM_000455.5 (MANE Select); coding-DNA position 796, A replaced by C.
Protein change: p.Asn266His; replaces asparagine 266 with histidine.
Molecular consequence: missense variant.
Genome position (GRCh38, 1-based): chr19:1,221,274, A>C. VCF-style: chr19-1221274-A-C. GRCh37 (hg19) VCF-style: chr19-1221273-A-C.
Other names: c.796A>C, p.Asn266His (NM_001407255.1); short protein forms N266H.
Identifiers: ClinVar variation 1761417 (VCV001761417.3), dbSNP rs2145427004, ClinGen allele CA402950536.

ClinVar aggregate classification (germline): Uncertain significance (1 of 4 stars; one submission).

Conditions:
Hereditary cancer-predisposing syndrome. Also called: Neoplastic Syndromes, Hereditary; Tumor predisposition; Hereditary Cancer Syndrome; Hereditary neoplastic syndrome. Identifiers: Orphanet 140162, MedGen C0027672, MeSH D009386, MONDO:0015356.

Submission:

Ambry Genetics
Classification: Uncertain significance for Hereditary cancer-predisposing syndrome. Last evaluated: 2024-11-25. Review status: criteria provided, single submitter. Criteria: Ambry Variant Classification Scheme 2023. Collection method: clinical testing. Allele origin: germline.
Comment: The p.N266H variant (also known as c.796A>C), located in coding exon 6 of the STK11 gene, results from an A to C substitution at nucleotide position 796. The asparagine at codon 266 is replaced by histidine, an amino acid with similar properties. This amino acid position is conserved. In addition, this alteration is predicted to be tolerated by in silico analysis. Since supporting evidence is limited at this time, the clinical significance of this alteration remains unclear.